The following is an entry in ClinVar:

NM_013432.5(TONSL):c.26-3C>T

Genes: TONSL (tonsoku like, DNA repair protein; minus strand), LOC130001399 (ATAC-STARR-seq lymphoblastoid silent region 19685; plus strand). Cytogenetic location: 8q24.3.
Variant type: single nucleotide variant.
Coding change: c.26-3C>T on transcript NM_013432.5 (MANE Select); 3 bases into the intron before coding-DNA position 26, C replaced by T.
Molecular consequence: intron variant.
Genome position (GRCh38, 1-based): chr8:144,444,278, G>A on the plus strand (C>T on the coding strand, the complement: TONSL is on the minus strand). VCF-style: chr8-144444278-G-A. GRCh37 (hg19) VCF-style: chr8-145669661-G-A.
Identifiers: ClinVar variation 3029806 (VCV003029806.2), dbSNP rs1823827726, ClinGen allele CA1120279670.

ClinVar aggregate classification (germline): Likely benign (0 of 4 stars; one submission).

Conditions:
TONSL-related disorder. Also called: TONSL-related condition.

Allele frequency attached by ClinVar (database versions not stated): gnomAD exomes below 0.00001; gnomAD 0.00004; TOPMed 0.00004.
gnomAD v4.1: 11 of 1,423,764 alleles (0.00077%); highest among the groups gnomAD compares: Admixed American, 0.013%; no homozygotes.

Submission:

PreventionGenetics, part of Exact Sciences
Classification: Likely benign for TONSL-related condition. Last evaluated: 2023-08-14. Review status: no assertion criteria provided. Collection method: clinical testing. Allele origin: germline.
Comment: This variant is classified as likely benign based on ACMG/AMP sequence variant interpretation guidelines (Richards et al. 2015 PMID: 25741868, with internal and published modifications).